The following is an entry in ClinVar:

NM_001204.7(BMPR2):c.1097C>T (p.Pro366Leu)

Gene: BMPR2 (bone morphogenetic protein receptor type 2; plus strand). Cytogenetic location: 2q33.2.
Variant type: single nucleotide variant.
Coding change: c.1097C>T on transcript NM_001204.7 (MANE Select); coding-DNA position 1097, C replaced by T.
Protein change: p.Pro366Leu; replaces proline 366 with leucine.
Molecular consequence: missense variant.
Genome position (GRCh38, 1-based): chr2:202,530,923, C>T. VCF-style: chr2-202530923-C-T. GRCh37 (hg19) VCF-style: chr2-203395646-C-T.
Other names: short protein forms P366L.
Identifiers: ClinVar variation 3992103 (VCV003992103.1).
Genomic context (GRCh38, chr2:202,530,923, plus strand): 5'-CCTGTGTTATTAGTGACTTTGGACTGTCCATGAGGCTGACTGGAAATAGACTGGTGCGCC[C>T]AGGGGAGGAAGATAATGCAGCCATAAGCGAGGTGAGTGTATACAAAAGGTATCACACTGA-3'
Protein context (NP_001195.2, residues 356-376): MRLTGNRLVR[Pro366Leu]GEEDNAAISE

ClinVar aggregate classification (germline): Uncertain significance (1 of 4 stars; one submission).

Conditions:
Inborn genetic diseases. Identifiers: MedGen C0950123, MeSH D030342.

gnomAD v4.1: 1 of 1,613,998 alleles (0.000062%); highest among the groups gnomAD compares: African/African-American, 0.0013%; no homozygotes.

Submission:

Ambry Genetics
Classification: Uncertain significance for Inborn genetic diseases. Last evaluated: 2025-04-06. Review status: criteria provided, single submitter. Criteria: Ambry Variant Classification Scheme 2023. Collection method: clinical testing. Allele origin: germline.
Comment: The p.P366L variant (also known as c.1097C>T), located in coding exon 8 of the BMPR2 gene, results from a C to T substitution at nucleotide position 1097. The proline at codon 366 is replaced by leucine, an amino acid with similar properties. This amino acid position is conserved. In addition, the in silico prediction for this alteration is inconclusive. Based on the available evidence, the clinical significance of this variant remains unclear.